The following is an entry in ClinVar:

ClinVar aggregate classification (germline): Uncertain significance (1 of 4 stars; one submission).

gnomAD v4.1: 1 of 1,609,274 alleles (0.000062%); highest among the groups gnomAD compares: Admixed American, 0.0017%; no homozygotes.

Submission:

Labcorp Genetics (formerly Invitae), Labcorp
Classification: Uncertain significance. Last evaluated: 2022-08-21. Review status: criteria provided, single submitter. Criteria: Invitae Variant Classification Sherloc (09022015). Collection method: clinical testing. Allele origin: germline.
Comment: This sequence change replaces histidine, which is basic and polar, with arginine, which is basic and polar, at codon 289 of the KIAA0753 protein (p.His289Arg). This variant is present in population databases (no rsID available, gnomAD 0.003%). This variant has not been reported in the literature in individuals affected with KIAA0753-related conditions. Algorithms developed to predict the effect of missense changes on protein structure and function output the following: SIFT: "Tolerated"; PolyPhen-2: "Benign"; Align-GVGD: "Class C0". The arginine amino acid residue is found in multiple mammalian species, which suggests that this missense change does not adversely affect protein function. In summary, the available evidence is currently insufficient to determine the role of this variant in disease. Therefore, it has been classified as a Variant of Uncertain Significance.

NM_014804.3(KIAA0753):c.866A>G (p.His289Arg)

Gene: KIAA0753 (KIAA0753; minus strand). Cytogenetic location: 17p13.1.
Variant type: single nucleotide variant.
Coding change: c.866A>G on transcript NM_014804.3 (MANE Select); coding-DNA position 866, A replaced by G.
Protein change: p.His289Arg; replaces histidine 289 with arginine.
Molecular consequence: missense variant. On other transcripts: non-coding transcript variant (1), intron variant (1).
Genome position (GRCh38, 1-based): chr17:6,623,531, T>C on the plus strand (A>G on the coding strand, the complement: KIAA0753 is on the minus strand). VCF-style: chr17-6623531-T-C. GRCh37 (hg19) VCF-style: chr17-6526851-T-C.
Other names: c.-10+76A>G (NM_001351225.2); short protein forms H289R.
Identifiers: ClinVar variation 1717404 (VCV001717404.3), dbSNP rs1264400290, ClinGen allele CA397413187.